The following is an entry in ClinVar:

NM_001273.5(CHD4):c.2507G>A (p.Arg836His)

Gene: CHD4 (chromodomain helicase DNA binding protein 4; minus strand). Cytogenetic location: 12p13.31.
Variant type: single nucleotide variant.
Coding change: c.2507G>A on transcript NM_001273.5 (MANE Select); coding-DNA position 2507, G replaced by A.
Protein change: p.Arg836His; replaces arginine 836 with histidine.
Molecular consequence: missense variant.
Genome position (GRCh38, 1-based): chr12:6,593,423, C>T on the plus strand (G>A on the coding strand, the complement: CHD4 is on the minus strand). VCF-style: chr12-6593423-C-T. GRCh37 (hg19) VCF-style: chr12-6702589-C-T.
Other names: c.2486G>A, p.Arg829His (NM_001297553.2); c.2468G>A, p.Arg823His (NM_001363606.2); c.2507G>A (NM_001273.2); short protein forms R823H, R829H, R836H.
Identifiers: ClinVar variation 1804938 (VCV001804938.3), dbSNP rs1948434432, ClinGen allele CA383592684.

ClinVar aggregate classification (germline): Conflicting classifications of pathogenicity. Review status: criteria provided, conflicting classifications (1 of 4 stars). 2 submissions from 2 submitters: Likely pathogenic (1); Uncertain significance (1). Last evaluated 2025-02-25.

Conditions:
Sifrim-Hitz-Weiss syndrome (SIHIWES). Also called: CHD4 Neurodevelopmental Disorder; SIFRIM-HITZ-WEISS MULTIPLE CONGENITAL ANOMALIES-MENTAL RETARDATION SYNDROME. Identifiers: Orphanet 653712, MedGen C4310688, MONDO:0014946, OMIM 617159.

Submissions (2):

GeneDx
Classification: Uncertain significance. Last evaluated: 2025-02-25. Review status: criteria provided, single submitter. Criteria: GeneDx Variant Classification Process June 2021. Collection method: clinical testing. Allele origin: germline. Affected: yes.
Comment: Not observed at significant frequency in large population cohorts (gnomAD); In silico analysis supports that this missense variant has a deleterious effect on protein structure/function; Has not been previously published as pathogenic or benign to our knowledge

Victorian Clinical Genetics Services, Murdoch Childrens Research Institute
Classification: Likely pathogenic for Sifrim-Hitz-Weiss syndrome. Last evaluated: 2021-05-06. Review status: criteria provided, single submitter. Criteria: ACMG Guidelines, 2015. Collection method: clinical testing. Allele origin: germline. Inheritance: Autosomal dominant inheritance. Affected: yes.
Comment: Based on the classification scheme VCGS_Germline_v1.3.4, this variant is classified as Likely pathogenic. Following criteria are met: 0102 - Loss of function is a known mechanism of disease in this gene and is associated with Sifrim-Hitz-Weiss syndrome (MIM#617159). (I) 0107 - This gene is associated with autosomal dominant disease. (I) 0115 - Variants in this gene are known to have variable expressivity (PMID:31388190). (I) 0200 - Variant is predicted to result in a missense amino acid change from arginine to histidine. (I) 0251 - This variant is heterozygous. (I) 0301 - Variant is absent from gnomAD (both v2 and v3). (SP) 0502 - Missense variant with conflicting in silico predictions and uninformative conservation. (I) 0600 - Variant is located in the annotated helicase ATP-binding domain (Uniprot). (I) 0705 - No comparable missense variants have previous evidence for pathogenicity. (I) 0807 - This variant has no previous evidence of pathogenicity. (I) 0905 - No published segregation evidence has been identified for this variant. (I) 1007 - No published functional evidence has been identified for this variant. (SP) Legend: (SP) - Supporting pathogenic, (I) - Information, (SB) - Supporting benign

Literature cited by the submitters: PubMed 31388190 (cited by Victorian Clinical Genetics Services, Murdoch Childrens Research Institute).